The following is an entry in ClinVar:

NM_001267550.2(TTN):c.60575C>T (p.Ser20192Leu)

Genes: TTN (titin; minus strand), TTN-AS1 (TTN antisense RNA 1; plus strand). Cytogenetic location: 2q31.2.
Variant type: single nucleotide variant.
Coding change: c.60575C>T on transcript NM_001267550.2 (MANE Select); coding-DNA position 60575, C replaced by T.
Protein change: p.Ser20192Leu; replaces serine 20192 with leucine.
Molecular consequence: missense variant. On other transcripts: non-coding transcript variant (1).
Genome position (GRCh38, 1-based): chr2:178,591,150, G>A on the plus strand (C>T on the coding strand, the complement: TTN is on the minus strand). VCF-style: chr2-178591150-G-A. GRCh37 (hg19) VCF-style: chr2-179455877-G-A.
Other names: c.55652C>T, p.Ser18551Leu (NM_001256850.1); c.33380C>T, p.Ser11127Leu (NM_003319.4); c.52871C>T, p.Ser17624Leu (NM_133378.4); c.33755C>T, p.Ser11252Leu (NM_133432.3); c.33956C>T, p.Ser11319Leu (NM_133437.4); short protein forms S11127L, S11252L, S11319L, S17624L, S18551L, S20192L.
Identifiers: ClinVar variation 3776657 (VCV003776657.1).

ClinVar aggregate classification (germline): Uncertain significance (1 of 4 stars; one submission).

Submission:

GeneDx
Classification: Uncertain significance. Last evaluated: 2024-10-03. Review status: criteria provided, single submitter. Criteria: GeneDx Variant Classification Process June 2021. Collection method: clinical testing. Allele origin: germline. Affected: yes.
Comment: Not observed at significant frequency in large population cohorts (gnomAD); Missense variant in a gene in which most reported pathogenic variants are truncating/loss of function; Has not been previously published as pathogenic or benign to our knowledge